The following is an entry in ClinVar:

ClinVar aggregate classification (germline): Uncertain significance (1 of 4 stars; one submission).

Conditions:
Familial cancer of breast. Also called: Hereditary breast cancer; BREAST CANCER, FAMILIAL; hereditary breast carcinoma. Identifiers: Orphanet 227535, MedGen C0346153, MONDO:0016419, OMIM 114480. Disease mechanism: loss of function.

Submission:

Labcorp Genetics (formerly Invitae), Labcorp
Classification: Uncertain significance for Familial cancer of breast. Last evaluated: 2024-12-23. Review status: criteria provided, single submitter. Criteria: Invitae Variant Classification Sherloc (09022015). Collection method: clinical testing. Allele origin: germline.
Comment: This sequence change replaces alanine, which is neutral and non-polar, with serine, which is neutral and polar, at codon 460 of the BARD1 protein (p.Ala460Ser). This variant is not present in population databases (gnomAD no frequency). This variant has not been reported in the literature in individuals affected with BARD1-related conditions. An algorithm developed to predict the effect of missense changes on protein structure and function (PolyPhen-2) suggests that this variant is likely to be disruptive. In summary, the available evidence is currently insufficient to determine the role of this variant in disease. Therefore, it has been classified as a Variant of Uncertain Significance.

NM_000465.4(BARD1):c.1378G>T (p.Ala460Ser)

Gene: BARD1 (BRCA1 associated RING domain 1; minus strand). Cytogenetic location: 2q35.
Variant type: single nucleotide variant.
Coding change: c.1378G>T on transcript NM_000465.4 (MANE Select); coding-DNA position 1378, G replaced by T.
Protein change: p.Ala460Ser; replaces alanine 460 with serine.
Molecular consequence: missense variant. On other transcripts: non-coding transcript variant (3), intron variant (3).
Genome position (GRCh38, 1-based): chr2:214,769,249, C>A on the plus strand (G>T on the coding strand, the complement: BARD1 is on the minus strand). VCF-style: chr2-214769249-C-A. GRCh37 (hg19) VCF-style: chr2-215633973-C-A.
Other names: c.1321G>T, p.Ala441Ser (NM_001282543.2); c.159-16694G>T (NM_001282548.2); c.216-16694G>T (NM_001282545.2); c.364+23048G>T (NM_001282549.2); short protein forms A441S, A460S.
Identifiers: ClinVar variation 3727715 (VCV003727715.2).